The following is an entry in ClinVar:

NM_000059.4(BRCA2):c.7958_7959dup (p.Leu2654fs)

Gene: BRCA2 (BRCA2 DNA repair associated; plus strand). Cytogenetic location: 13q13.1.
Variant type: Duplication.
Coding change: c.7958_7959dup on transcript NM_000059.4 (MANE Select); coding-DNA positions 7958 to 7959, 2 bases duplicated (TT; older notation c.7958_7959dupTT).
Protein change: p.Leu2654fs; shifts the reading frame from leucine 2654.
Molecular consequence: frameshift variant.
Genome position (GRCh38, 1-based): chr13:32,362,675-32,362,676, TT duplicated. VCF-style (leftmost placement, unchanged base first): chr13-32362674-C-CTT. GRCh37 (hg19) VCF-style: chr13-32936811-C-CTT.
Other names: c.7958_7959dupTT (NM_000059.3); short protein forms L2654fs.
Identifiers: ClinVar variation 577078 (VCV000577078.9), dbSNP rs1566244965, ClinGen allele CA891843893.
Genomic context (GRCh38, chr13:32,362,674, plus strand): 5'-GCTATGGAATGTGCCTTTCCTAAGGAATTTGCTAATAGATGCCTAAGCCCAGAAAGGGTG[C>CTT]TTCTTCAACTAAAATACAGGCAAGTTTAAAGCATTACATTACGTAATCATATACGGCAGT-3'

ClinVar aggregate classification (germline): Pathogenic/Likely pathogenic. Review status: criteria provided, multiple submitters, no conflicts (2 of 4 stars). 2 submissions from 2 submitters: Pathogenic (1); Likely pathogenic (1). Last evaluated 2018-10-07.

Conditions:
Hereditary breast ovarian cancer syndrome. Also called: Hereditary breast and ovarian cancer; Breast and ovarian cancer; Hereditary breast and ovarian cancer syndrome; BRCA1- and BRCA2-Associated Hereditary Breast and Ovarian Cancer; Hereditary breast and/or ovarian cancer syndrome; Hereditary breast and ovarian cancer syndrome (HBOC). Identifiers: Orphanet 145, MedGen C0677776, MeSH D061325, MONDO:0003582. Disease mechanism: loss of function.

Submissions (2):

Labcorp Genetics (formerly Invitae), Labcorp
Classification: Pathogenic for Hereditary breast ovarian cancer syndrome. Last evaluated: 2018-10-07. Review status: criteria provided, single submitter. Criteria: Invitae Variant Classification Sherloc (09022015). Collection method: clinical testing. Allele origin: germline.
Comment: This sequence change creates a premature translational stop signal (p.Leu2654Phefs*4) in the BRCA2 gene. It is expected to result in an absent or disrupted protein product. This variant is not present in population databases (ExAC no frequency). This variant has not been reported in the literature in individuals with BRCA2-related disease. Loss-of-function variants in BRCA2 are known to be pathogenic (PMID: 20104584). For these reasons, this variant has been classified as Pathogenic.

Quest Diagnostics Nichols Institute San Juan Capistrano
Classification: Likely pathogenic. Last evaluated: 2018-03-16. Review status: criteria provided, single submitter. Criteria: Quest Diagnostics criteria. Collection method: clinical testing. Allele origin: germline.

Literature cited by the submitters: PubMed 20104584 (cited by Labcorp Genetics (formerly Invitae), Labcorp).